The following is an entry in ClinVar:

NM_022552.5(DNMT3A):c.147G>T (p.Gly49=)

Gene: DNMT3A (DNA methyltransferase 3 alpha; minus strand). Cytogenetic location: 2p23.3.
Variant type: single nucleotide variant.
Coding change: c.147G>T on transcript NM_022552.5 (MANE Select); coding-DNA position 147, G replaced by T.
Protein change: p.Gly49=; no amino-acid change (glycine 49 retained).
Molecular consequence: synonymous variant. On other transcripts: non-coding transcript variant (1).
Genome position (GRCh38, 1-based): chr2:25,300,169, C>A on the plus strand (G>T on the coding strand, the complement: DNMT3A is on the minus strand). VCF-style: chr2-25300169-C-A. GRCh37 (hg19) VCF-style: chr2-25523038-C-A.
Other names: c.147G>T, p.Gly49= (NM_001320892.2, NM_175629.2, NM_175630.1).
Identifiers: ClinVar variation 2810724 (VCV002810724.3), dbSNP rs1182052940, ClinGen allele CA425316826.

ClinVar aggregate classification (germline): Uncertain significance (1 of 4 stars; one submission).

Conditions:
Tatton-Brown-Rahman overgrowth syndrome. Also called: Tall stature-intellectual disability-facial dysmorphism syndrome; Tatton-Brown-Rahman syndrome. Identifiers: Orphanet 404443, MedGen C4014545, MONDO:0014382, OMIM 615879.

Allele frequency attached by ClinVar (database versions not stated): gnomAD exomes below 0.00001.
gnomAD v4.1: 2 of 1,613,312 alleles (0.00012%); highest among the groups gnomAD compares: South Asian, 0.0022%; no homozygotes.

Submission:

Labcorp Genetics (formerly Invitae), Labcorp
Classification: Uncertain significance for Tatton-Brown-Rahman overgrowth syndrome. Last evaluated: 2022-10-30. Review status: criteria provided, single submitter. Criteria: Invitae Variant Classification Sherloc (09022015). Collection method: clinical testing. Allele origin: germline.
Comment: This variant is present in population databases (no rsID available, gnomAD 0.006%). This sequence change affects codon 49 of the DNMT3A mRNA. It is a 'silent' change, meaning that it does not change the encoded amino acid sequence of the DNMT3A protein. This variant has not been reported in the literature in individuals affected with DNMT3A-related conditions. Algorithms developed to predict the effect of sequence changes on RNA splicing suggest that this variant may create or strengthen a splice site. In summary, the available evidence is currently insufficient to determine the role of this variant in disease. Therefore, it has been classified as a Variant of Uncertain Significance.